The following is an entry in ClinVar:

ClinVar aggregate classification (germline): Conflicting classifications of pathogenicity. Review status: criteria provided, conflicting classifications (1 of 4 stars). 2 submissions from 2 submitters: Uncertain significance (1); Likely benign (1). Last evaluated 2025-10-07.

Allele frequency attached by ClinVar (database versions not stated): ExAC 0.00007; ESP Exome Variant Server 0.00008; gnomAD 0.00010 and 0.00012; gnomAD exomes 0.00010 and 0.00011; 1000 Genomes Project 30x 0.00016; TOPMed 0.00017; 1000 Genomes Project 0.00020.
gnomAD v4.1: 187 of 1,614,048 alleles (0.012%); highest among the groups gnomAD compares: Middle Eastern, 0.35%; 2 homozygotes.

Submissions (2):

Labcorp Genetics (formerly Invitae), Labcorp
Classification: Likely benign. Last evaluated: 2025-10-07. Review status: criteria provided, single submitter. Criteria: Invitae Variant Classification Sherloc (09022015). Collection method: clinical testing. Allele origin: germline.

GeneDx
Classification: Uncertain significance. Last evaluated: 2020-02-04. Review status: criteria provided, single submitter. Criteria: GeneDx Variant Classification Process June 2021. Collection method: clinical testing. Allele origin: germline. Affected: yes.
Comment: Has not been previously published as pathogenic or benign to our knowledge; In silico analysis, which includes splice predictors and evolutionary conservation, suggests this variant may impact gene splicing. In the absence of RNA/functional studies, the actual effect of this sequence change is unknown.

NM_005529.7(HSPG2):c.11481C>T (p.Gly3827=)

Gene: HSPG2 (heparan sulfate proteoglycan 2; minus strand). Cytogenetic location: 1p36.12.
Variant type: single nucleotide variant.
Coding change: c.11481C>T on transcript NM_005529.7 (MANE Select); coding-DNA position 11481, C replaced by T.
Protein change: p.Gly3827=; no amino-acid change (glycine 3827 retained).
Molecular consequence: synonymous variant.
Genome position (GRCh38, 1-based): chr1:21,831,296, G>A on the plus strand (C>T on the coding strand, the complement: HSPG2 is on the minus strand). VCF-style: chr1-21831296-G-A. GRCh37 (hg19) VCF-style: chr1-22157789-G-A.
Other names: c.11484C>T, p.Gly3828= (NM_001291860.2).
Identifiers: ClinVar variation 1315276 (VCV001315276.9), dbSNP rs150600286, ClinGen allele CA669766.